The following is an entry in ClinVar:

NM_003872.3(NRP2):c.2425+9693G>C

Gene: NRP2 (neuropilin 2; plus strand). Cytogenetic location: 2q33.3.
Variant type: single nucleotide variant.
Coding change: c.2425+9693G>C on transcript NM_003872.3 (MANE Select); 9693 bases into the intron after coding-DNA position 2425, G replaced by C.
Molecular consequence: intron variant. On other transcripts: missense variant (2).
Genome position (GRCh38, 1-based): chr2:205,776,496, G>C. VCF-style: chr2-205776496-G-C. GRCh37 (hg19) VCF-style: chr2-206641220-G-C.
Other names: c.2691G>C, p.Lys897Asn (NM_018534.4); c.2676G>C, p.Lys892Asn (NM_201267.2); c.2440+9678G>C (NM_201266.2); c.2425+9693G>C (NM_201279.2); short protein forms K892N, K897N.
Identifiers: ClinVar variation 3347701 (VCV003347701.1).
Genomic context (GRCh38, chr2:205,776,496, plus strand): 5'-CAAAACCTCCCACTACACCAACGGGGCCCCTCTGGCGGTGGAGCCCACCCTAACCATTAA[G>C]CTAGAGCAAGACCGTGGCTCGCACTGCTGAGGGCCGAAGCAAGAACAGCACCCAAAACAA-3'

ClinVar aggregate classification (germline): Uncertain significance (0 of 4 stars; one submission).

Conditions:
NRP2-related disorder. Also called: NRP2-related condition.

Submission:

PreventionGenetics, part of Exact Sciences
Classification: Uncertain significance for NRP2-related condition. Last evaluated: 2024-06-11. Review status: no assertion criteria provided. Collection method: clinical testing. Allele origin: germline.
Comment: The NRP2 c.2691G>C variant is predicted to result in the amino acid substitution p.Lys897Asn. To our knowledge, this variant has not been reported in the literature or in a large population database, indicating this variant is rare. At this time, the clinical significance of this variant is uncertain due to the absence of conclusive functional and genetic evidence.